The following is an entry in ClinVar:

NM_000218.3(KCNQ1):c.707T>G (p.Leu236Arg)

Gene: KCNQ1 (potassium voltage-gated channel subfamily Q member 1; plus strand). Cytogenetic location: 11p15.5.
Variant type: single nucleotide variant.
Coding change: c.707T>G on transcript NM_000218.3 (MANE Select); coding-DNA position 707, T replaced by G.
Protein change: p.Leu236Arg; replaces leucine 236 with arginine.
Molecular consequence: missense variant.
Genome position (GRCh38, 1-based): chr11:2,572,036, T>G. VCF-style: chr11-2572036-T-G. GRCh37 (hg19) VCF-style: chr11-2593266-T-G.
Other names: p.L236R:CTG>CGG; c.707T>G, p.Leu236Arg (NM_001406836.1); c.437T>G, p.Leu146Arg (NM_001406837.1); c.326T>G, p.Leu109Arg (NM_181798.2); short protein forms L109R, L236R, L146R.
Identifiers: ClinVar variation 200897 (VCV000200897.6), dbSNP rs794728512, ClinGen allele CA007950.
Genomic context (GRCh38, chr11:2,572,036, plus strand): 5'-GCCTGGCTCCCTCAGCCCCACACCATCTCCTTCGCAGGGGCATCCGCTTCCTGCAGATCC[T>G]GAGGATGCTACACGTCGACCGCCAGGGAGGCACCTGGAGGCTCCTGGGCTCCGTGGTCTT-3'
Protein context (NP_000209.2, residues 226-246): AIRGIRFLQI[Leu236Arg]RMLHVDRQGG

ClinVar aggregate classification (germline): Conflicting classifications of pathogenicity. Review status: criteria provided, conflicting classifications (1 of 4 stars). 2 submissions from 2 submitters: Likely pathogenic (1); Uncertain significance (1). Last evaluated 2024-02-14.

Conditions:
Long QT syndrome (LQTS). Identifiers: MedGen C0023976, MeSH D008133, MONDO:0002442. Disease mechanism: loss of function. Inheritance: Various modes of inheritance.

Submissions (2):

Labcorp Genetics (formerly Invitae), Labcorp
Classification: Uncertain significance for Long QT syndrome. Last evaluated: 2024-02-14. Review status: criteria provided, single submitter. Criteria: Invitae Variant Classification Sherloc (09022015). Collection method: clinical testing. Allele origin: germline.
Comment: This sequence change replaces leucine, which is neutral and non-polar, with arginine, which is basic and polar, at codon 236 of the KCNQ1 protein (p.Leu236Arg). This variant is not present in population databases (gnomAD no frequency). This missense change has been observed in individual(s) with Long QT syndrome (PMID: 26066609; Invitae). ClinVar contains an entry for this variant (Variation ID: 200897). Advanced modeling of protein sequence and biophysical properties (such as structural, functional, and spatial information, amino acid conservation, physicochemical variation, residue mobility, and thermodynamic stability) performed at Invitae indicates that this missense variant is expected to disrupt KCNQ1 protein function with a positive predictive value of 95%. Experimental studies have shown that this missense change affects KCNQ1 function (PMID: 26066609, 29532034, 30571187). In summary, the available evidence is currently insufficient to determine the role of this variant in disease. Therefore, it has been classified as a Variant of Uncertain Significance.

GeneDx
Classification: Likely pathogenic. Last evaluated: 2015-03-27. Review status: criteria provided, single submitter. Criteria: GeneDx Variant Classification (06012015). Collection method: clinical testing. Allele origin: germline. Affected: yes.
Comment: This missense change is denoted Leu236Arg (aka L236R) at the protein level and c.707 T>G at the cDNA level. The Leu236Arg variant in the KCNQ1 gene has not been previously published as a disease-causing mutation or as a benign polymorphism to our knowledge. Leu236Arg results in a non-conservative amino acid substitution of a non-polar Leucine with a positively-charged Arginine at a position that is conserved throughout evolution.In silico analysis predicts Leu236Arg is probably damaging to protein structure/function (Adzhubei IA et al., 2010, Kumar P et al., 2009, Schwarz JM et al., 2010). In addition,mutations in surrounding codons (Arg231Cys, Arg231His, Ile235Asn, Leu239Pro) have been reported in association with LQTS, further supporting the functional importance of this region of the protein. Finally, Leu236Arg was not detected in 650 control alleles from individuals of various ethnic backgrounds tested at GeneDx, indicating it is not a common benign variant in these populations of individuals. With the clinical and molecular information available at this time, we cannot unequivocally determine the clinical significance of Leu236Arg in the KCNQ1 gene, although it is a good candidate for a disease-causing mutation.The variant is found in LQT panel(s).

Literature cited by the submitters: PubMed 26066609 (cited by Labcorp Genetics (formerly Invitae), Labcorp); PubMed 29532034 (cited by Labcorp Genetics (formerly Invitae), Labcorp); PubMed 30571187 (cited by Labcorp Genetics (formerly Invitae), Labcorp).